The following is an entry in ClinVar:

ClinVar aggregate classification (germline): Uncertain significance (1 of 4 stars; one submission).

Conditions:
Immunodeficiency 14 (IMD14A). Also called: p110-DELTA-ACTIVATING MUTATION CAUSING SENESCENT T CELLS, LYMPHADENOPATHY, AND IMMUNODEFICIENCY; ACTIVATED PI3K-DELTA SYNDROME 1; Activated PI3K Delta Syndrome Type 1 (APDS1); IMMUNODEFICIENCY 14A WITH LYMPHOPROLIFERATION, AUTOSOMAL DOMINANT. Identifiers: Orphanet 397596, Orphanet 693661, MedGen C5907821, MONDO:0014222, OMIM 615513.

Submission:

Labcorp Genetics (formerly Invitae), Labcorp
Classification: Uncertain significance for Activated PI3K-delta syndrome. Last evaluated: 2025-08-01. Review status: criteria provided, single submitter. Criteria: Invitae Variant Classification Sherloc (09022015). Collection method: clinical testing. Allele origin: germline.
Comment: This sequence change replaces glutamic acid, which is acidic and polar, with aspartic acid, which is acidic and polar, at codon 525 of the PIK3CD protein (p.Glu525Asp). This variant is not present in population databases (gnomAD no frequency). This variant has not been reported in the literature in individuals affected with PIK3CD-related conditions. Invitae Evidence Modeling of protein sequence and biophysical properties (such as structural, functional, and spatial information, amino acid conservation, physicochemical variation, residue mobility, and thermodynamic stability) indicates that this missense variant is not expected to disrupt PIK3CD protein function with a negative predictive value of 80%. This variant disrupts the p.Glu525 amino acid residue in PIK3CD. Other variant(s) that disrupt this residue have been determined to be pathogenic (PMID: 24165795, 28167755, 28190860, 29330011). This suggests that this residue is clinically significant, and that variants that disrupt this residue are likely to be disease-causing. In summary, the available evidence is currently insufficient to determine the role of this variant in disease. Therefore, it has been classified as a Variant of Uncertain Significance.

Literature cited by the submitters: PubMed 24165795; PubMed 28167755; PubMed 28190860; PubMed 29330011.

NM_005026.5(PIK3CD):c.1575G>C (p.Glu525Asp)

Gene: PIK3CD (phosphatidylinositol-4,5-bisphosphate 3-kinase catalytic subunit delta; plus strand). Cytogenetic location: 1p36.22.
Variant type: single nucleotide variant.
Coding change: c.1575G>C on transcript NM_005026.5 (MANE Select); coding-DNA position 1575, G replaced by C.
Protein change: p.Glu525Asp; replaces glutamic acid 525 with aspartic acid.
Molecular consequence: missense variant.
Genome position (GRCh38, 1-based): chr1:9,720,795, G>C. VCF-style: chr1-9720795-G-C. GRCh37 (hg19) VCF-style: chr1-9780853-G-C.
Other names: c.1572G>C, p.Glu524Asp (NM_001350234.2, NM_001439206.1); c.1488G>C, p.Glu496Asp (NM_001350235.1); c.1575G>C, p.Glu525Asp (NM_001437546.1, NM_001437547.1, NM_001438338.1); short protein forms E524D, E496D, E525D.
Identifiers: ClinVar variation 4743280 (VCV004743280.1).